The following is an entry in ClinVar:

ClinVar aggregate classification (germline): Uncertain significance (1 of 4 stars; one submission).

Submission:

Labcorp Genetics (formerly Invitae), Labcorp
Classification: Uncertain significance. Last evaluated: 2023-10-04. Review status: criteria provided, single submitter. Criteria: Invitae Variant Classification Sherloc (09022015). Collection method: clinical testing. Allele origin: germline.
Comment: This sequence change creates a premature translational stop signal (p.Gly538Alafs*111) in the DVL1 gene. While this is not anticipated to result in nonsense mediated decay, it is expected to disrupt the last 133 amino acid(s) of the DVL1 protein. This variant is not present in population databases (gnomAD no frequency). This variant has not been reported in the literature in individuals affected with DVL1-related conditions. In summary, the available evidence is currently insufficient to determine the role of this variant in disease. Therefore, it has been classified as a Variant of Uncertain Significance.

NM_001330311.2(DVL1):c.1688del (p.Gly563fs)

Genes: DVL1 (dishevelled segment polarity protein 1; minus strand), LOC129929114 (ATAC-STARR-seq lymphoblastoid silent region 61; plus strand). Cytogenetic location: 1p36.33.
Variant type: Deletion.
Coding change: c.1688del on transcript NM_001330311.2 (MANE Select); coding-DNA position 1688, one base deleted (G; older notation c.1688delG).
Protein change: p.Gly563fs; shifts the reading frame from glycine 563.
Molecular consequence: frameshift variant.
Genome position (GRCh38, 1-based): chr1:1,338,003, C deleted on the plus strand (G on the coding strand, the reverse complement: DVL1 is on the minus strand); the first of 2 consecutive C bases (chr1:1,338,003-1,338,004); deleting either gives the same sequence. VCF-style (leftmost placement, unchanged base first): chr1-1338002-GC-G. GRCh37 (hg19) VCF-style: chr1-1273382-GC-G.
Other names: c.1613del, p.Gly538fs (NM_004421.3); short protein forms G538fs, G563fs.
Identifiers: ClinVar variation 2762533 (VCV002762533.3), dbSNP rs2523146930, ClinGen allele CA2697552151.
Genomic context (GRCh38, chr1:1,338,002, plus strand): 5'-AGCCGGGGAAGGGCAGGTAGGGGCGGCGTTCTCACCTTCACTCTGCTGACTCCCGGTGCT[GC>G]CGCTGCCATAGCTAAAGCCCGGGTCCTGGTAGGCAGGCGGGAAGCAGGGTGGGGGTCCCG-3'